The following is an entry in ClinVar:

NM_002185.5(IL7R):c.1238G>C (p.Ser413Thr)

Gene: IL7R (interleukin 7 receptor; plus strand). Cytogenetic location: 5p13.2.
Variant type: single nucleotide variant.
Coding change: c.1238G>C on transcript NM_002185.5 (MANE Select); coding-DNA position 1238, G replaced by C.
Protein change: p.Ser413Thr; replaces serine 413 with threonine.
Molecular consequence: missense variant. On other transcripts: non-coding transcript variant (1).
Genome position (GRCh38, 1-based): chr5:35,876,344, G>C. VCF-style: chr5-35876344-G-C. GRCh37 (hg19) VCF-style: chr5-35876446-G-C.
Other names: short protein forms S413T.
Identifiers: ClinVar variation 1481667 (VCV001481667.4), dbSNP rs756406426, ClinGen allele CA3232222.

ClinVar aggregate classification (germline): Uncertain significance (1 of 4 stars; one submission).

Conditions:
Immunodeficiency 104. Also called: SCID, AUTOSOMAL RECESSIVE, T CELL-NEGATIVE, B CELL-POSITIVE, NK CELL-POSITIVE; Severe combined immunodeficiency, autosomal recessive, T cell-negative, B cell-positive, NK cell-positive; Severe Combined Immune Deficiency, Autosomal Recessive, TCell -Negative, B Cell-Positive, NK Cell-Positive, IL7R-Related; IMMUNODEFICIENCY 104, SEVERE COMBINED. Identifiers: MedGen C5676890, MONDO:0012163, OMIM 608971.

Allele frequency attached by ClinVar (database versions not stated): gnomAD 0.00001; TOPMed 0.00001.
gnomAD v4.1: 18 of 1,613,114 alleles (0.0011%); highest among the groups gnomAD compares: Admixed American, 0.0033%; no homozygotes.

Submission:

Labcorp Genetics (formerly Invitae), Labcorp
Classification: Uncertain significance for Immunodeficiency 104. Last evaluated: 2022-07-06. Review status: criteria provided, single submitter. Criteria: Invitae Variant Classification Sherloc (09022015). Collection method: clinical testing. Allele origin: germline.
Comment: In summary, the available evidence is currently insufficient to determine the role of this variant in disease. Therefore, it has been classified as a Variant of Uncertain Significance. Advanced modeling of protein sequence and biophysical properties (such as structural, functional, and spatial information, amino acid conservation, physicochemical variation, residue mobility, and thermodynamic stability) performed at Invitae indicates that this missense variant is not expected to disrupt IL7R protein function. ClinVar contains an entry for this variant (Variation ID: 1481667). This variant has not been reported in the literature in individuals affected with IL7R-related conditions. This variant is present in population databases (rs756406426, gnomAD 0.003%). This sequence change replaces serine, which is neutral and polar, with threonine, which is neutral and polar, at codon 413 of the IL7R protein (p.Ser413Thr).